The following is an entry in ClinVar:

ClinVar aggregate classification (germline): Uncertain significance (1 of 4 stars; one submission).

Submission:

Labcorp Genetics (formerly Invitae), Labcorp
Classification: Uncertain significance. Last evaluated: 2021-11-04. Review status: criteria provided, single submitter. Criteria: Invitae Variant Classification Sherloc (09022015). Collection method: clinical testing. Allele origin: germline.
Comment: This sequence change replaces glycine, which is neutral and non-polar, with alanine, which is neutral and non-polar, at codon 157 of the NEDD4L protein (p.Gly157Ala). This variant is not present in population databases (gnomAD no frequency). This variant has not been reported in the literature in individuals affected with NEDD4L-related conditions. Algorithms developed to predict the effect of missense changes on protein structure and function (SIFT, PolyPhen-2, Align-GVGD) all suggest that this variant is likely to be tolerated. In summary, the available evidence is currently insufficient to determine the role of this variant in disease. Therefore, it has been classified as a Variant of Uncertain Significance.

NM_001144967.3(NEDD4L):c.470G>C (p.Gly157Ala)

Gene: NEDD4L (NEDD4 like E3 ubiquitin protein ligase; plus strand). Cytogenetic location: 18q21.31.
Variant type: single nucleotide variant.
Coding change: c.470G>C on transcript NM_001144967.3 (MANE Select); coding-DNA position 470, G replaced by C.
Protein change: p.Gly157Ala; replaces glycine 157 with alanine.
Molecular consequence: missense variant.
Genome position (GRCh38, 1-based): chr18:58,323,291, G>C. VCF-style: chr18-58323291-G-C. GRCh37 (hg19) VCF-style: chr18-55990523-G-C.
Other names: c.107G>C, p.Gly36Ala (NM_001144964.1, NM_001144965.2, NM_001144966.3 and 2 more transcripts); c.446G>C, p.Gly149Ala (NM_001144968.2, NM_001144969.2); c.470G>C, p.Gly157Ala (NM_001243960.2, NM_015277.6); short protein forms G149A, G157A, G36A.
Identifiers: ClinVar variation 1391268 (VCV001391268.6), dbSNP rs2059011381, ClinGen allele CA402552080.